The following is an entry in ClinVar:

ClinVar aggregate classification (germline): Uncertain significance (1 of 4 stars; one submission).

Conditions:
Inborn genetic diseases. Identifiers: MedGen C0950123, MeSH D030342.

Submission:

Ambry Genetics
Classification: Uncertain significance for Inborn genetic diseases. Last evaluated: 2024-05-22. Review status: criteria provided, single submitter. Criteria: Ambry Variant Classification Scheme 2023. Collection method: clinical testing. Allele origin: germline.
Comment: The p.K276E variant (also known as c.826A>G), located in coding exon 8 of the AKT1 gene, results from an A to G substitution at nucleotide position 826. The lysine at codon 276 is replaced by glutamic acid, an amino acid with similar properties. This amino acid position is conserved. In addition, this alteration is predicted to be deleterious by in silico analysis. Based on the available evidence, the clinical significance of this variant remains unclear.

NM_001382430.1(AKT1):c.826A>G (p.Lys276Glu)

Gene: AKT1 (AKT serine/threonine kinase 1; minus strand). Cytogenetic location: 14q32.33.
Variant type: single nucleotide variant.
Coding change: c.826A>G on transcript NM_001382430.1 (MANE Select); coding-DNA position 826, A replaced by G.
Protein change: p.Lys276Glu; replaces lysine 276 with glutamic acid.
Molecular consequence: missense variant.
Genome position (GRCh38, 1-based): chr14:104,773,457, T>C on the plus strand (A>G on the coding strand, the complement: AKT1 is on the minus strand). VCF-style: chr14-104773457-T-C. GRCh37 (hg19) VCF-style: chr14-105239794-T-C.
Other names: c.826A>G, p.Lys276Glu (NM_001014431.2, NM_001014432.2, NM_001382431.1 and 3 more transcripts); short protein forms K276E.
Identifiers: ClinVar variation 3282921 (VCV003282921.1).